The following is an entry in ClinVar:

ClinVar aggregate classification (germline): Uncertain significance. Review status: criteria provided, multiple submitters, no conflicts (2 of 4 stars). 3 submissions from 3 submitters: Uncertain significance (3). Last evaluated 2025-10-14.

Conditions:
Achondrogenesis, type IA (ACG1A). Identifiers: Orphanet 932, Orphanet 93299, MedGen C0265273, MONDO:0008701, OMIM 200600.
Inborn genetic diseases. Identifiers: MedGen C0950123, MeSH D030342.

Allele frequency attached by ClinVar (database versions not stated): TOPMed 0.00002; ExAC 0.00001; gnomAD 0.00001; gnomAD exomes 0.00001.
gnomAD v4.1: 17 of 1,611,570 alleles (0.0011%); highest among the groups gnomAD compares: African/African-American, 0.0094%; no homozygotes.

Submissions (3):

Dasa
Classification: Uncertain significance. Last evaluated: 2025-10-14. Review status: criteria provided, single submitter. Criteria: DASA Assertion Criteria. Collection method: clinical testing. Allele origin: germline.
Comment: NM_004239.4(TRIP11):c.1192G>A (p.Glu398Lys) is a missense variant that results in the substitution of glutamic acid with lysine. This variant has been observed in affected individuals with TRIP11-related disorders. Also, this variant is rare in population databases. Computational prediction algorithms are consistent with a deleterious effect. The currently available literature and clinical evidence are not sufficient to establish a definitive association between this variant and the reported condition. Therefore, this variant is classified as a variant of uncertain significance.

Ambry Genetics
Classification: Uncertain significance for Inborn genetic diseases. Last evaluated: 2024-08-05. Review status: criteria provided, single submitter. Criteria: Ambry Variant Classification Scheme 2023. Collection method: clinical testing. Allele origin: germline.

Labcorp Genetics (formerly Invitae), Labcorp
Classification: Uncertain significance for Achondrogenesis, type IA. Last evaluated: 2022-02-11. Review status: criteria provided, single submitter. Criteria: Invitae Variant Classification Sherloc (09022015). Collection method: clinical testing. Allele origin: germline.
Comment: This sequence change replaces glutamic acid, which is acidic and polar, with lysine, which is basic and polar, at codon 398 of the TRIP11 protein (p.Glu398Lys). This variant is present in population databases (rs747934680, gnomAD 0.0009%). In summary, the available evidence is currently insufficient to determine the role of this variant in disease. Therefore, it has been classified as a Variant of Uncertain Significance. Algorithms developed to predict the effect of missense changes on protein structure and function are either unavailable or do not agree on the potential impact of this missense change (SIFT: "Not Available"; PolyPhen-2: "Possibly Damaging"; Align-GVGD: "Not Available"). This variant has not been reported in the literature in individuals affected with TRIP11-related conditions.

NM_004239.4(TRIP11):c.1192G>A (p.Glu398Lys)

Gene: TRIP11 (thyroid hormone receptor interactor 11; minus strand). Cytogenetic location: 14q32.12.
Variant type: single nucleotide variant.
Coding change: c.1192G>A on transcript NM_004239.4 (MANE Select); coding-DNA position 1192, G replaced by A.
Protein change: p.Glu398Lys; replaces glutamic acid 398 with lysine.
Molecular consequence: missense variant.
Genome position (GRCh38, 1-based): chr14:92,011,790, C>T on the plus strand (G>A on the coding strand, the complement: TRIP11 is on the minus strand). VCF-style: chr14-92011790-C-T. GRCh37 (hg19) VCF-style: chr14-92478134-C-T.
Other names: c.1189G>A, p.Glu397Lys (NM_001321851.1); c.1192G>A (NM_004239.3); short protein forms E397K, E398K.
Identifiers: ClinVar variation 1913745 (VCV001913745.8), dbSNP rs747934680, ClinGen allele CA7314001.